The following is an entry in ClinVar:

NM_001244008.2(KIF1A):c.4592C>T (p.Ser1531Phe)

Gene: KIF1A (kinesin family member 1A; minus strand). Cytogenetic location: 2q37.3.
Variant type: single nucleotide variant.
Coding change: c.4592C>T on transcript NM_001244008.2 (MANE Select); coding-DNA position 4592, C replaced by T.
Protein change: p.Ser1531Phe; replaces serine 1531 with phenylalanine.
Molecular consequence: missense variant.
Genome position (GRCh38, 1-based): chr2:240,722,529, G>A on the plus strand (C>T on the coding strand, the complement: KIF1A is on the minus strand). VCF-style: chr2-240722529-G-A. GRCh37 (hg19) VCF-style: chr2-241661946-G-A.
Other names: c.4316C>T, p.Ser1439Phe (NM_001320705.2, NM_001379649.1); c.4343C>T, p.Ser1448Phe (NM_001330289.2); c.4391C>T, p.Ser1464Phe (NM_001330290.2, NM_001379648.1); c.4667C>T, p.Ser1556Phe (NM_001379631.1); c.4568C>T, p.Ser1523Phe (NM_001379632.1); c.4565C>T, p.Ser1522Phe (NM_001379633.1, NM_001379645.1); c.4418C>T, p.Ser1473Phe (NM_001379634.1); c.4415C>T, p.Ser1472Phe (NM_001379635.1, NM_001379646.1); and 8 more; short protein forms S1429F, S1438F, S1473F, S1531F, S1455F, S1468F, S1523F, S1556F.
Identifiers: ClinVar variation 1428314 (VCV001428314.7), dbSNP rs748858949, ClinGen allele CA2207382.

ClinVar aggregate classification (germline): Conflicting classifications of pathogenicity. Review status: criteria provided, conflicting classifications (1 of 4 stars). 2 submissions from 2 submitters: Uncertain significance (1); Likely benign (1). Last evaluated 2023-08-10.

Conditions:
Hereditary spastic paraplegia 30. Identifiers: Orphanet 101010, MedGen C5235139, MONDO:0012476.
Neuropathy, hereditary sensory, type 2C. Also called: Hereditary sensory and autonomic neuropathy type IIC; KIF1A-Related HSAN2 (HSAN2C). Identifiers: Orphanet 970, MedGen C3280168, MONDO:0013634, OMIM 614213.
Intellectual disability, autosomal dominant 9 (NESCAVS). Also called: NESCAV SYNDROME; KIF1A-Related Neurodevelopmental Disorder. Identifiers: Orphanet 662367, MedGen C5393830, MONDO:0013656, OMIM 614255.

Allele frequency attached by ClinVar (database versions not stated): gnomAD exomes below 0.00001 and 0.00001; TOPMed below 0.00001; gnomAD 0.00001.
gnomAD v4.1: 6 of 1,548,800 alleles (0.00039%); highest among the groups gnomAD compares: African/African-American, 0.0014%; no homozygotes.

Submissions (2):

GeneDx
Classification: Uncertain significance. Last evaluated: 2023-08-10. Review status: criteria provided, single submitter. Criteria: GeneDx Variant Classification Process June 2021. Collection method: clinical testing. Allele origin: germline. Affected: yes.
Comment: In silico analysis supports that this missense variant has a deleterious effect on protein structure/function; Has not been previously published as pathogenic or benign to our knowledge

Labcorp Genetics (formerly Invitae), Labcorp
Classification: Likely benign for Hereditary spastic paraplegia 30; Neuropathy, hereditary sensory, type 2C; Intellectual disability, autosomal dominant 9. Last evaluated: 2022-11-28. Review status: criteria provided, single submitter. Criteria: Invitae Variant Classification Sherloc (09022015). Collection method: clinical testing. Allele origin: germline.